The following is an entry in ClinVar:

NM_019110.5(ZKSCAN4):c.382T>C (p.Leu128=)

Gene: ZKSCAN4 (zinc finger with KRAB and SCAN domains 4; minus strand). Cytogenetic location: 6p22.1.
Variant type: single nucleotide variant.
Coding change: c.382T>C on transcript NM_019110.5 (MANE Select); coding-DNA position 382, T replaced by C.
Protein change: p.Leu128=; no amino-acid change (leucine 128 retained).
Molecular consequence: synonymous variant. On other transcripts: intron variant (1).
Genome position (GRCh38, 1-based): chr6:28,251,599, A>G on the plus strand (T>C on the coding strand, the complement: ZKSCAN4 is on the minus strand). VCF-style: chr6-28251599-A-G. GRCh37 (hg19) VCF-style: chr6-28219377-A-G.
Other names: c.-42-1765T>C (NM_001304506.2).
Identifiers: ClinVar variation 2656318 (VCV002656318.24), dbSNP rs138765444, ClinGen allele CA3682647.

ClinVar aggregate classification (germline): Likely benign (1 of 4 stars; one submission).

Allele frequency attached by ClinVar (database versions not stated): 1000 Genomes Project 30x 0.00125; 1000 Genomes Project 0.00160; gnomAD 0.00221; TOPMed 0.00236; ESP Exome Variant Server 0.00239; gnomAD exomes 0.00255; ExAC 0.00351.
gnomAD v4.1: 4,190 of 1,614,094 alleles (0.26%); highest among the groups gnomAD compares: Middle Eastern, 2.7%; 16 homozygotes.

Submission:

CeGaT Center for Human Genetics Tuebingen
Classification: Likely benign. Last evaluated: 2022-05-01. Review status: criteria provided, single submitter. Criteria: CeGaT Center For Human Genetics Tuebingen Variant Classification Criteria Version 2. Collection method: clinical testing. Allele origin: germline. Affected: yes. Observed: 1 variant allele.
Comment: ZKSCAN4: BP4, BP7, BS2